The following is an entry in ClinVar:

ClinVar aggregate classification (germline): Uncertain significance (1 of 4 stars; one submission).

Conditions:
Developmental and epileptic encephalopathy, 42 (DEE42A). Also called: DEVELOPMENTAL AND EPILEPTIC ENCEPHALOPATHY 42A; EPILEPTIC ENCEPHALOPATHY, EARLY INFANTILE, 42A; Epileptic encephalopathy, early infantile, 42. Identifiers: MedGen C4310716, MONDO:0014917, OMIM 617106.
Episodic ataxia type 2 (EA2). Also called: ACETAZOLAMIDE-RESPONSIVE HEREDITARY PAROXYSMAL CEREBELLAR ATAXIA; EPISODIC ATAXIA, NYSTAGMUS-ASSOCIATED; ATAXIA, EPISODIC, WITH NYSTAGMUS; ATAXIA, FAMILIAL PAROXYSMAL; CEREBELLAR ATAXIA, PAROXYSMAL, ACETAZOLAMIDE-RESPONSIVE; CEREBELLOPATHY, HEREDITARY PAROXYSMAL. Identifiers: Orphanet 97, MedGen C1720416, MONDO:0007163, OMIM 108500.

Submission:

Labcorp Genetics (formerly Invitae), Labcorp
Classification: Uncertain significance for Developmental and epileptic encephalopathy, 42; Episodic ataxia type 2. Last evaluated: 2020-01-18. Review status: criteria provided, single submitter. Criteria: Invitae Variant Classification Sherloc (09022015). Collection method: clinical testing. Allele origin: germline.
Comment: In summary, the available evidence is currently insufficient to determine the role of this variant in disease. Therefore, it has been classified as a Variant of Uncertain Significance. This sequence change replaces aspartic acid with glycine at codon 1851 of the CACNA1A protein (p.Asp1851Gly). The aspartic acid residue is moderately conserved and there is a moderate physicochemical difference between aspartic acid and glycine. This variant is not present in population databases (ExAC no frequency). This variant has not been reported in the literature in individuals with CACNA1A-related conditions. Algorithms developed to predict the effect of missense changes on protein structure and function are either unavailable or do not agree on the potential impact of this missense change (SIFT: "Deleterious"; PolyPhen-2: "Possibly Damaging"; Align-GVGD: "Class C0"). Algorithms developed to predict the effect of sequence changes on RNA splicing suggest that this variant may create or strengthen a splice site, but this prediction has not been confirmed by published transcriptional studies.

NM_001127221.2(CACNA1A):c.5552A>G (p.Asp1851Gly)

Gene: CACNA1A (calcium voltage-gated channel subunit alpha1 A; minus strand). Cytogenetic location: 19p13.13.
Variant type: single nucleotide variant.
Coding change: c.5552A>G on transcript NM_001127221.2 (MANE Plus Clinical); coding-DNA position 5552, A replaced by G.
Protein change: p.Asp1851Gly; replaces aspartic acid 1851 with glycine.
Molecular consequence: missense variant. On other transcripts: intron variant (4).
Genome position (GRCh38, 1-based): chr19:13,228,775, T>C on the plus strand (A>G on the coding strand, the complement: CACNA1A is on the minus strand). VCF-style: chr19-13228775-T-C. GRCh37 (hg19) VCF-style: chr19-13339589-T-C.
Other names: c.5529-1248A>G (NM_001127222.2); c.5538-1248A>G (NM_001174080.2); c.5547-1248A>G (NM_000068.4, NM_023035.3); short protein forms D1851G.
Identifiers: ClinVar variation 1022674 (VCV001022674.11), dbSNP rs2055563143, ClinGen allele CA404331825.